The following is an entry in ClinVar:

NM_005076.5(CNTN2):c.792T>G (p.Phe264Leu)

Gene: CNTN2 (contactin 2; plus strand). Cytogenetic location: 1q32.1.
Variant type: single nucleotide variant.
Coding change: c.792T>G on transcript NM_005076.5 (MANE Select); coding-DNA position 792, T replaced by G.
Protein change: p.Phe264Leu; replaces phenylalanine 264 with leucine.
Molecular consequence: missense variant. On other transcripts: non-coding transcript variant (1).
Genome position (GRCh38, 1-based): chr1:205,059,677, T>G. VCF-style: chr1-205059677-T-G. GRCh37 (hg19) VCF-style: chr1-205028805-T-G.
Other names: c.792T>G, p.Phe264Leu (NM_001346083.2); short protein forms F264L.
Identifiers: ClinVar variation 474490 (VCV000474490.9), dbSNP rs183799891, ClinGen allele CA1351147.

ClinVar aggregate classification (germline): Uncertain significance (1 of 4 stars; one submission).

Conditions:
Epilepsy, familial adult myoclonic, 5 (EPEO5). Also called: CORTICAL MYOCLONIC TREMOR WITH EPILEPSY, FAMILIAL, 5. Identifiers: Orphanet 86814, MedGen C3809374, MONDO:0014167, OMIM 615400.

Allele frequency attached by ClinVar (database versions not stated): ExAC 0.00002; gnomAD exomes 0.00001; 1000 Genomes Project 0.00020; gnomAD 0.00001; 1000 Genomes Project 30x 0.00016.
gnomAD v4.1: 10 of 1,612,132 alleles (0.00062%); highest among the groups gnomAD compares: Non-Finnish European, 0.00076%; no homozygotes.

Submission:

Labcorp Genetics (formerly Invitae), Labcorp
Classification: Uncertain significance for Epilepsy, familial adult myoclonic, 5. Last evaluated: 2020-10-08. Review status: criteria provided, single submitter. Criteria: Invitae Variant Classification Sherloc (09022015). Collection method: clinical testing. Allele origin: germline.
Comment: In summary, this variant has uncertain impact on CNTN2 function. The available evidence is currently insufficient to determine its role in disease. Therefore, it has been classified as a Variant of Uncertain Significance. Algorithms developed to predict the effect of missense changes on protein structure and function do not agree on the potential impact of this missense change (SIFT: "Deleterious"; PolyPhen-2: "Benign"; Align-GVGD: "Class C15"). This variant has not been reported in the literature in individuals with a CNTN2-related disease. This variant is present in population databases (rs183799891, ExAC 0.003%). This sequence change replaces phenylalanine with leucine at codon 264 of the CNTN2 protein (p.Phe264Leu). The phenylalanine residue is highly conserved and there is a small physicochemical difference between phenylalanine and leucine.